The following is an entry in ClinVar:

NM_001267550.2(TTN):c.94499C>G (p.Pro31500Arg)

Genes: TTN (titin; minus strand), TTN-AS1 (TTN antisense RNA 1; plus strand). Cytogenetic location: 2q31.2.
Variant type: single nucleotide variant.
Coding change: c.94499C>G on transcript NM_001267550.2 (MANE Select); coding-DNA position 94499, C replaced by G.
Protein change: p.Pro31500Arg; replaces proline 31500 with arginine.
Molecular consequence: missense variant.
Genome position (GRCh38, 1-based): chr2:178,547,026, G>C on the plus strand (C>G on the coding strand, the complement: TTN is on the minus strand). VCF-style: chr2-178547026-G-C. GRCh37 (hg19) VCF-style: chr2-179411753-G-C.
Other names: c.89576C>G, p.Pro29859Arg (NM_001256850.1); c.67304C>G, p.Pro22435Arg (NM_003319.4); c.86795C>G, p.Pro28932Arg (NM_133378.4); c.67679C>G, p.Pro22560Arg (NM_133432.3); c.67880C>G, p.Pro22627Arg (NM_133437.4); short protein forms P22435R, P22560R, P22627R, P28932R, P29859R, P31500R.
Identifiers: ClinVar variation 3064009 (VCV003064009.1), dbSNP rs747518732, ClinGen allele CA1987128.

ClinVar aggregate classification (germline): Uncertain significance (1 of 4 stars; one submission).

Allele frequency attached by ClinVar (database versions not stated): ExAC 0.00001; gnomAD 0.00001; TOPMed 0.00001.
gnomAD v4.1: 3 of 1,612,060 alleles (0.00019%); highest among the groups gnomAD compares: Non-Finnish European, 0.00025%; no homozygotes.

Submission:

Women's Health and Genetics/Laboratory Corporation of America, LabCorp
Classification: Uncertain significance. Last evaluated: 2024-01-19. Review status: criteria provided, single submitter. Criteria: LabCorp Variant Classification Summary - May 2015. Collection method: clinical testing. Allele origin: germline.
Comment: Variant summary: TTN c.86795C>G (p.Pro28932Arg) results in a non-conservative amino acid change located in the A-band region of the encoded protein sequence. Three of four in-silico tools predict a damaging effect of the variant on protein function. The variant allele was found at a frequency of 4e-06 in 247854 control chromosomes. The available data on variant occurrences in the general population are insufficient to allow any conclusion about variant significance. To our knowledge, no occurrence of c.86795C>G in individuals affected with Limb-Girdle Muscular Dystrophy, Type 2J and no experimental evidence demonstrating its impact on protein function have been reported. No submitters have cited clinical-significance assessments for this variant to ClinVar. Based on the evidence outlined above, the variant was classified as uncertain significance.